The following is an entry in ClinVar:

ClinVar aggregate classification (germline): Likely benign. Review status: criteria provided, multiple submitters, no conflicts (2 of 4 stars). 4 submissions from 4 submitters: Likely benign (4). Last evaluated 2025-10-09.

Conditions:
Inborn genetic diseases. Identifiers: MedGen C0950123, MeSH D030342.
CHARGE syndrome (CHARGE). Also called: Hittner Hirsch Kreh syndrome; CHARGE ASSOCIATION--COLOBOMA, HEART ANOMALY, CHOANAL ATRESIA, RETARDATION, GENITAL AND EAR ANOMALIES; Coloboma, heart anomaly, choanal atresia, retardation, genital and ear anomalies; CHARGE association; Hall-Hittner syndrome. Identifiers: Orphanet 138, MedGen C0265354, MONDO:0008965.

Allele frequency attached by ClinVar (database versions not stated): ExAC 0.00001; gnomAD exomes 0.00001; gnomAD 0.00002; TOPMed 0.00002.
gnomAD v4.1: 15 of 1,599,234 alleles (0.00094%); highest among the groups gnomAD compares: South Asian, 0.0011%; no homozygotes.

Submissions (4):

Labcorp Genetics (formerly Invitae), Labcorp
Classification: Likely benign for CHARGE syndrome. Last evaluated: 2025-10-09. Review status: criteria provided, single submitter. Criteria: Invitae Variant Classification Sherloc (09022015). Collection method: clinical testing. Allele origin: germline.

CeGaT Center for Human Genetics Tuebingen
Classification: Likely benign. Last evaluated: 2025-10-01. Review status: criteria provided, single submitter. Criteria: CeGaT Center For Human Genetics Tuebingen Variant Classification Criteria Version 2. Collection method: clinical testing. Allele origin: germline. Affected: yes. Observed: 1 variant allele.
Comment: CHD7: BP4, BP7

Blueprint Genetics
Classification: Likely benign. Last evaluated: 2023-11-10. Review status: criteria provided, single submitter. Criteria: ACMG Guidelines, 2015. Collection method: clinical testing. Allele origin: germline.

Ambry Genetics
Classification: Likely benign for Inborn genetic diseases. Last evaluated: 2017-09-14. Review status: criteria provided, single submitter. Criteria: Ambry Variant Classification Scheme 2023. Collection method: clinical testing. Allele origin: germline.

NM_017780.4(CHD7):c.6597C>T (p.Ser2199=)

Gene: CHD7 (chromodomain helicase DNA binding protein 7; plus strand). Cytogenetic location: 8q12.2.
Variant type: single nucleotide variant.
Coding change: c.6597C>T on transcript NM_017780.4 (MANE Select); coding-DNA position 6597, C replaced by T.
Protein change: p.Ser2199=; no amino-acid change (serine 2199 retained).
Molecular consequence: synonymous variant. On other transcripts: intron variant (1).
Genome position (GRCh38, 1-based): chr8:60,853,322, C>T. VCF-style: chr8-60853322-C-T. GRCh37 (hg19) VCF-style: chr8-61765881-C-T.
Other names: c.1717-8907C>T (NM_001316690.1).
Identifiers: ClinVar variation 1754384 (VCV001754384.12), dbSNP rs780606140, ClinGen allele CA4760614.